The following is an entry in ClinVar:

NM_000334.4(SCN4A):c.1679_1701delinsTTGTGGGCGCACAAA (p.Cys560fs)

Gene: SCN4A (sodium voltage-gated channel alpha subunit 4; minus strand). Cytogenetic location: 17q23.3.
Variant type: Indel.
Coding change: c.1679_1701delinsTTGTGGGCGCACAAA on transcript NM_000334.4 (MANE Select); coding-DNA positions 1679 to 1701, GCTGCGCCCCGTGGCTGAAGTTC replaced by TTGTGGGCGCACAAA.
Protein change: p.Cys560fs; shifts the reading frame from cysteine 560.
Molecular consequence: frameshift variant.
Genome position (GRCh38, 1-based): chr17:63,961,337-63,961,359, GAACTTCAGCCACGGGGCGCAGC replaced by TTTGTGCGCCCACAA on the plus strand (GCTGCGCCCCGTGGCTGAAGTTC replaced by TTGTGGGCGCACAAA on the coding strand, the reverse complement: SCN4A is on the minus strand). GRCh37 (hg19): chr17:62,038,697-62,038,719.
Other names: short protein forms C560fs.
Identifiers: ClinVar variation 5019057 (VCV005019057.2).
Genomic context (GRCh38, chr17:63,961,337, plus strand): 5'-GCAGATGGTGATGCCCAGGTCCACGAACGGGTCCATGACGATCAGGTGGATGATGTTCTT[GAACTTCAGCCACGGGGCGCAGC>TTTGTGCGCCCACAA]AGTTCCATATGAGCACTTTGTGGGCGCACTTGTACCACCATGGTGGGCACTTTTGGTGGG-3'

ClinVar aggregate classification (germline): Likely pathogenic (1 of 4 stars; one submission).

Conditions:
Congenital myopathy 22A, classic (CMYO22A). Identifiers: MedGen C5830453, MONDO:0957247, OMIM 620351.
Congenital myopathy 22B, severe fetal (CMYO22B). Identifiers: MedGen C5830501, MONDO:0957265, OMIM 620369.

Submission:

Juno Genomics, Hangzhou Juno Genomics, Inc
Classification: Likely pathogenic for Congenital myopathy 22A, classic; Congenital myopathy 22B, severe fetal. Review status: criteria provided, single submitter. Criteria: ACMG Guidelines, 2015. Collection method: clinical testing. Allele origin: germline.
Comment: Absent from controls (or at extremely low frequency if recessive) in Genome Aggregation Database.;Null variant in a gene where loss of function (LOF) is a known mechanism of disease.